The following is an entry in ClinVar:

ClinVar aggregate classification (germline): Uncertain significance (1 of 4 stars; one submission).

Conditions:
Familial thoracic aortic aneurysm and aortic dissection (TAAD). Also called: Thoracic aortic aneurysms and dissections. Identifiers: Orphanet 91387, MedGen C4707243, MONDO:0019625.

gnomAD v4.1: 1 of 1,603,738 alleles (0.000062%); highest among the groups gnomAD compares: African/African-American, 0.0013%; no homozygotes.

Submission:

Ambry Genetics
Classification: Uncertain significance for Familial thoracic aortic aneurysm and aortic dissection. Last evaluated: 2026-01-21. Review status: criteria provided, single submitter. Criteria: Ambry Variant Classification Scheme 2023. Collection method: clinical testing. Allele origin: germline.
Comment: The p.P1206T variant (also known as c.3616C>A), located in coding exon 17 of the MYLK gene, results from a C to A substitution at nucleotide position 3616. The proline at codon 1206 is replaced by threonine, an amino acid with highly similar properties. This amino acid position is conserved. In addition, this alteration is predicted to be tolerated by in silico analysis. Based on the available evidence, the clinical significance of this variant remains unclear.

NM_053025.4(MYLK):c.3616C>A (p.Pro1206Thr)

Gene: MYLK (myosin light chain kinase; minus strand). Cytogenetic location: 3q21.1.
Variant type: single nucleotide variant.
Coding change: c.3616C>A on transcript NM_053025.4 (MANE Select); coding-DNA position 3616, C replaced by A.
Protein change: p.Pro1206Thr; replaces proline 1206 with threonine.
Molecular consequence: missense variant.
Genome position (GRCh38, 1-based): chr3:123,682,260, G>T on the plus strand (C>A on the coding strand, the complement: MYLK is on the minus strand). VCF-style: chr3-123682260-G-T. GRCh37 (hg19) VCF-style: chr3-123401107-G-T.
Other names: c.3088C>A, p.Pro1030Thr (NM_001321309.2); c.3409C>A, p.Pro1137Thr (NM_053026.4, NM_053028.4); c.3616C>A, p.Pro1206Thr (NM_053027.4); short protein forms P1030T, P1137T, P1206T.
Identifiers: ClinVar variation 4825143 (VCV004825143.1).